The following is an entry in ClinVar:

NM_004329.3(BMPR1A):c.549C>T (p.Ile183=)

Gene: BMPR1A (bone morphogenetic protein receptor type 1A; plus strand). Cytogenetic location: 10q23.2.
Variant type: single nucleotide variant.
Coding change: c.549C>T on transcript NM_004329.3 (MANE Select); coding-DNA position 549, C replaced by T.
Protein change: p.Ile183=; no amino-acid change (isoleucine 183 retained).
Molecular consequence: synonymous variant.
Genome position (GRCh38, 1-based): chr10:86,912,258, C>T. VCF-style: chr10-86912258-C-T. GRCh37 (hg19) VCF-style: chr10-88672015-C-T.
Identifiers: ClinVar variation 1122907 (VCV001122907.17), dbSNP rs748339701, ClinGen allele CA5585553.

ClinVar aggregate classification (germline): Benign/Likely benign. Review status: criteria provided, multiple submitters, no conflicts (2 of 4 stars). 7 submissions from 7 submitters: Benign (1); Likely benign (6). Last evaluated 2025-06-29.

Conditions:
Juvenile polyposis syndrome (JPS). Identifiers: Orphanet 2929, MedGen C0345893, MONDO:0017380, OMIM 174900.
Hereditary cancer-predisposing syndrome. Also called: Hereditary neoplastic syndrome; Tumor predisposition; Neoplastic Syndromes, Hereditary; Hereditary Cancer Syndrome. Identifiers: Orphanet 140162, MedGen C0027672, MeSH D009386, MONDO:0015356.

Allele frequency attached by ClinVar (database versions not stated): gnomAD exomes below 0.00001; ExAC 0.00001.
gnomAD v4.1: 1 of 1,613,658 alleles (0.000062%); highest among the groups gnomAD compares: Non-Finnish European, 0.000085%; no homozygotes.

Submissions (7):

Labcorp Genetics (formerly Invitae), Labcorp
Classification: Likely benign for Juvenile polyposis syndrome. Last evaluated: 2025-06-29. Review status: criteria provided, single submitter. Criteria: Invitae Variant Classification Sherloc (09022015). Collection method: clinical testing. Allele origin: germline.

Center for Genomic Medicine, Rigshospitalet, Copenhagen University Hospital
Classification: Likely benign. Last evaluated: 2025-03-04. Review status: criteria provided, single submitter. Criteria: ACMG Guidelines, 2015. Collection method: clinical testing. Allele origin: germline.

Myriad Genetics, Inc.
Classification: Benign for Juvenile polyposis syndrome. Last evaluated: 2024-08-01. Review status: criteria provided, single submitter. Criteria: Myriad Autosomal Dominant, Autosomal Recessive and X-Linked Classification Criteria (2023). Collection method: clinical testing. Allele origin: unknown.
Comment: This variant is considered benign. This variant is a silent/synonymous amino acid change and it is not expected to impact splicing.

Blueprint Genetics
Classification: Likely benign. Last evaluated: 2024-04-17. Review status: criteria provided, single submitter. Criteria: ACMG Guidelines, 2015. Collection method: clinical testing. Allele origin: germline.

All of Us Research Program, National Institutes of Health
Classification: Likely benign for Juvenile polyposis syndrome. Last evaluated: 2024-03-24. Review status: criteria provided, single submitter. Criteria: ACMG Guidelines, 2015. Collection method: clinical testing. Allele origin: germline. Inheritance: Autosomal dominant inheritance. Observed: 1 variant allele, 1 heterozygote.
Comment: This study involves interpretation of variants in research participants for the purpose of population health screening. Participant phenotype was not available at the time of variant classification. Additional details can be found in publication PMID: 35346344, PMCID: PMC8962531

Women's Health and Genetics/Laboratory Corporation of America, LabCorp
Classification: Likely benign. Last evaluated: 2024-03-23. Review status: criteria provided, single submitter. Criteria: LabCorp Variant Classification Summary - May 2015. Collection method: clinical testing. Allele origin: germline.

Ambry Genetics
Classification: Likely benign for Hereditary cancer-predisposing syndrome. Last evaluated: 2021-07-21. Review status: criteria provided, single submitter. Criteria: Ambry Variant Classification Scheme 2023. Collection method: clinical testing. Allele origin: germline.